The following is an entry in ClinVar:

ClinVar aggregate classification (germline): Pathogenic. Review status: criteria provided, multiple submitters, no conflicts (2 of 4 stars). 3 submissions from 3 submitters: Pathogenic (2). 1 of the submissions does not count toward it. Last evaluated 2025-04-09.

Conditions:
PCNT-related disorder. Also called: PCNT-related condition.
Microcephalic osteodysplastic primordial dwarfism type II (MOPD2). Also called: Microcephalic osteodysplastic primordial dwarfism with tooth abnormalities; MOPD II; OSTEODYSPLASTIC PRIMORDIAL DWARFISM, TYPE II. Identifiers: Orphanet 2637, MedGen C0432246, MONDO:0008872, OMIM 210720.

Allele frequency attached by ClinVar (database versions not stated): gnomAD 0.00001; gnomAD exomes 0.00002; ExAC 0.00009.

Submissions (3):

Women's Health and Genetics/Laboratory Corporation of America, LabCorp
Classification: Pathogenic for Microcephalic osteodysplastic primordial dwarfism type II. Last evaluated: 2025-04-09. Review status: criteria provided, single submitter. Criteria: LabCorp Variant Classification Summary - May 2015. Collection method: clinical testing. Allele origin: germline.
Comment: Variant summary: PCNT c.9820delT (p.Ser3274ProfsX16) results in a premature termination codon, predicted to cause a truncation of the encoded protein or absence of the protein due to nonsense mediated decay, which are commonly known mechanisms for disease. The variant allele was found at a frequency of 6.4e-05 in 249304 control chromosomes. This frequency is not significantly higher than estimated for a pathogenic variant in PCNT causing Microcephalic Osteodysplastic Primordial Dwarfism Type II, allowing no conclusion about variant significance. To our knowledge, no occurrence of c.9820delT in individuals affected with Microcephalic Osteodysplastic Primordial Dwarfism Type II and no experimental evidence demonstrating its impact on protein function have been reported. ClinVar contains an entry for this variant (Variation ID: 2957329). Based on the evidence outlined above, the variant was classified as pathogenic.

Labcorp Genetics (formerly Invitae), Labcorp
Classification: Pathogenic. Last evaluated: 2023-09-19. Review status: criteria provided, single submitter. Criteria: Invitae Variant Classification Sherloc (09022015). Collection method: clinical testing. Allele origin: germline.
Comment: For these reasons, this variant has been classified as Pathogenic. This variant has not been reported in the literature in individuals affected with PCNT-related conditions. This variant is present in population databases (rs767150246, gnomAD 0.04%). This sequence change creates a premature translational stop signal (p.Ser3274Profs*16) in the PCNT gene. It is expected to result in an absent or disrupted protein product. Loss-of-function variants in PCNT are known to be pathogenic (PMID: 18174396, 22821869).

PreventionGenetics, part of Exact Sciences
Classification: Uncertain significance for PCNT-related condition. Last evaluated: 2024-01-12. Review status: no assertion criteria provided. Collection method: clinical testing. Allele origin: germline. Not counted in ClinVar's aggregate classification.
Comment: The PCNT c.9820delT variant is predicted to result in a frameshift and premature protein termination (p.Ser3274Profs*16). To our knowledge, this variant has not been reported in the literature and no predicted loss-of-function variants have been associated with disease downstream of amino acid 3274. This variant is reported in 0.042% of alleles in individuals of South Asian descent in gnomAD, which is among the most common loss-of-function variants in the database. In addition, it is flagged by gnomAD as having questionable functional consequence. Although we suspect that this variant may be pathogenic, at this time, the clinical significance is uncertain due to the absence of conclusive functional and genetic evidence.

Literature cited by the submitters: PubMed 18174396 (cited by Labcorp Genetics (formerly Invitae), Labcorp); PubMed 22821869 (cited by Labcorp Genetics (formerly Invitae), Labcorp).

NM_006031.6(PCNT):c.9820del (p.Ser3274fs)

Gene: PCNT (pericentrin; plus strand). Cytogenetic location: 21q22.3.
Variant type: Deletion.
Coding change: c.9820del on transcript NM_006031.6 (MANE Select); coding-DNA position 9820, one base deleted (T; older notation c.9820delT).
Protein change: p.Ser3274fs; shifts the reading frame from serine 3274.
Molecular consequence: frameshift variant.
Genome position (GRCh38, 1-based): chr21:46,443,929, T deleted. VCF-style (leftmost placement, unchanged base first): chr21-46443928-CT-C. GRCh37 (hg19) VCF-style: chr21-47863841-CT-C.
Other names: c.9229del, p.Ser3077fs (NM_001315529.2); c.9820delT (NM_006031.6); short protein forms S3274fs, S3077fs.
Identifiers: ClinVar variation 2957329 (VCV002957329.6), dbSNP rs767150246, ClinGen allele CA10081480.